The following is an entry in ClinVar:

ClinVar aggregate classification (germline): Uncertain significance (1 of 4 stars; one submission).

Submission:

Greenwood Genetic Center Diagnostic Laboratories, Greenwood Genetic Center
Classification: Uncertain significance. Last evaluated: 2025-01-03. Review status: criteria provided, single submitter. Criteria: ACMG Guidelines, 2015. Collection method: clinical testing. Allele origin: germline.
Comment: Gene of Uncertain Significance

NM_014002.4(IKBKE):c.1183C>T (p.Pro395Ser)

Gene: IKBKE (inhibitor of nuclear factor kappa B kinase subunit epsilon; plus strand). Cytogenetic location: 1q32.1.
Variant type: single nucleotide variant.
Coding change: c.1183C>T on transcript NM_014002.4 (MANE Select); coding-DNA position 1183, C replaced by T.
Protein change: p.Pro395Ser; replaces proline 395 with serine.
Molecular consequence: missense variant.
Genome position (GRCh38, 1-based): chr1:206,479,133, C>T. VCF-style: chr1-206479133-C-T. GRCh37 (hg19) VCF-style: chr1-206652476-C-T.
Other names: c.928C>T, p.Pro310Ser (NM_001193321.2); c.1183C>T, p.Pro395Ser (NM_001193322.2); short protein forms P310S, P395S.
Identifiers: ClinVar variation 4851663 (VCV004851663.1).